The following is an entry in ClinVar:

ClinVar aggregate classification (germline): Uncertain significance. Review status: criteria provided, multiple submitters, no conflicts (2 of 4 stars). 2 submissions from 2 submitters: Uncertain significance (2). Last evaluated 2025-06-24.

Conditions:
Inborn genetic diseases. Identifiers: MedGen C0950123, MeSH D030342.

gnomAD v4.1: 1 of 1,614,234 alleles (0.000062%); highest among the groups gnomAD compares: Non-Finnish European, 0.000085%; no homozygotes.

Submissions (2):

Ambry Genetics
Classification: Uncertain significance for Inborn genetic diseases. Last evaluated: 2025-06-24. Review status: criteria provided, single submitter. Criteria: Ambry Variant Classification Scheme 2023. Collection method: clinical testing. Allele origin: germline.

GeneDx
Classification: Uncertain significance. Last evaluated: 2021-04-16. Review status: criteria provided, single submitter. Criteria: GeneDx Variant Classification Process June 2021. Collection method: clinical testing. Allele origin: germline. Affected: yes.
Comment: Not observed in large population cohorts (Lek et al., 2016); In silico analysis supports that this missense variant does not alter protein structure/function; Has not been previously published as pathogenic or benign to our knowledge

NM_001365999.1(SZT2):c.8925C>G (p.Ser2975Arg)

Gene: SZT2 (SZT2 subunit of KICSTOR complex; plus strand). Cytogenetic location: 1p34.2.
Variant type: single nucleotide variant.
Coding change: c.8925C>G on transcript NM_001365999.1 (MANE Select); coding-DNA position 8925, C replaced by G.
Protein change: p.Ser2975Arg; replaces serine 2975 with arginine.
Molecular consequence: missense variant.
Genome position (GRCh38, 1-based): chr1:43,446,187, C>G. VCF-style: chr1-43446187-C-G. GRCh37 (hg19) VCF-style: chr1-43911858-C-G.
Other names: c.8754C>G, p.Ser2918Arg (NM_015284.4); short protein forms S2918R, S2975R.
Identifiers: ClinVar variation 1314714 (VCV001314714.3), dbSNP rs2153936572, ClinGen allele CA340041526.